The following is an entry in ClinVar:

NC_000003.12:g.(?_10146504)_(10149975_?)dup

Gene: VHL (von Hippel-Lindau tumor suppressor; plus strand). Cytogenetic location: 3p25.3.
Variant type: Duplication.
Identifiers: ClinVar variation 830442 (VCV000830442.10).

ClinVar aggregate classification (germline): Uncertain significance (1 of 4 stars; one submission).

Conditions:
Chuvash polycythemia. Also called: POLYCYTHEMIA, VHL-DEPENDENT. Identifiers: Orphanet 238557, MedGen C1837915, MONDO:0009892, OMIM 263400.
Von Hippel-Lindau syndrome (VHLS). Also called: VHL syndrome; Von Hippel-Lindau; von Hippel–Lindau syndrome. Identifiers: Orphanet 892, MedGen C0019562, MONDO:0008667, OMIM 193300. Disease mechanism: loss of function.

Submission:

Labcorp Genetics (formerly Invitae), Labcorp
Classification: Uncertain significance for Von Hippel-Lindau syndrome; Chuvash polycythemia. Last evaluated: 2020-06-10. Review status: criteria provided, single submitter. Criteria: Invitae Variant Classification Sherloc (09022015). Collection method: clinical testing. Allele origin: germline.
Comment: In summary, the available evidence is currently insufficient to determine the role of this variant in disease. Therefore, it has been classified as a Variant of Uncertain Significance. Experimental studies are not available for this variant, and the functional significance of a copy number gain of these exons is currently unknown. This variant has not been reported in the literature in individuals with VHL-related conditions. This variant results in a copy number gain of the genomic region encompassing exons 2-3 of the VHL gene. The 5' boundary is likely confined to intron 1. The 3' end of this event is unknown as it extends beyond the assayed region for this gene and therefore may encompass additional genes. As the precise location of this event is unknown, it may be in tandem or it may be located elsewhere in the genome.